The following is an entry in ClinVar:

ClinVar aggregate classification (germline): Benign (1 of 4 stars; one submission).

Allele frequency attached by ClinVar (database versions not stated): TOPMed 0.00039; gnomAD 0.00042 and 0.00044; gnomAD exomes 0.00060; 1000 Genomes Project 30x 0.00078; 1000 Genomes Project 0.00080.
gnomAD v4.1: 352 of 633,002 alleles (0.056%); highest among the groups gnomAD compares: Non-Finnish European, 0.078%; no homozygotes.

Submission:

CeGaT Center for Human Genetics Tuebingen
Classification: Benign. Last evaluated: 2022-03-01. Review status: criteria provided, single submitter. Criteria: CeGaT Center For Human Genetics Tuebingen Variant Classification Criteria Version 2. Collection method: clinical testing. Allele origin: germline. Affected: yes. Observed: 1 variant allele.
Comment: BRD4: BS1, BS2

NM_001379291.1(BRD4):c.2158+767G>A

Gene: BRD4 (bromodomain containing 4; minus strand). Cytogenetic location: 19p13.12.
Variant type: single nucleotide variant.
Coding change: c.2158+767G>A on transcript NM_001379291.1 (MANE Select); 767 bases into the intron after coding-DNA position 2158, G replaced by A.
Molecular consequence: intron variant. On other transcripts: 3 prime UTR variant (1).
Genome position (GRCh38, 1-based): chr19:15,253,385, C>T on the plus strand (G>A on the coding strand, the complement: BRD4 is on the minus strand). VCF-style: chr19-15253385-C-T. GRCh37 (hg19) VCF-style: chr19-15364196-C-T.
Other names: c.*172G>A (NM_001330384.2); c.2158+767G>A (NM_058243.3, NM_001379292.1, NM_014299.3).
Identifiers: ClinVar variation 1675733 (VCV001675733.33), dbSNP rs180971893, ClinGen allele CA305798712.